The following is an entry in ClinVar:

ClinVar aggregate classification (germline): Uncertain significance (1 of 4 stars; one submission).

Conditions:
Familial adenomatous polyposis 1 (FAP1). Also called: FAMILIAL ADENOMATOUS POLYPOSIS 1, ATTENUATED; POLYPOSIS, ADENOMATOUS INTESTINAL. Identifiers: MedGen C2713442, MONDO:0021056, OMIM 175100. Disease mechanism: loss of function.

gnomAD v4.1: 1 of 1,614,018 alleles (0.000062%); highest among the groups gnomAD compares: Non-Finnish European, 0.000085%; no homozygotes.

Submission:

Labcorp Genetics (formerly Invitae), Labcorp
Classification: Uncertain significance for Familial adenomatous polyposis 1. Last evaluated: 2019-03-02. Review status: criteria provided, single submitter. Criteria: Invitae Variant Classification Sherloc (09022015). Collection method: clinical testing. Allele origin: germline.
Comment: This sequence change replaces arginine with threonine at codon 2431 of the APC protein (p.Arg2431Thr). The arginine residue is highly conserved and there is a moderate physicochemical difference between arginine and threonine. This variant is not present in population databases (ExAC no frequency). This variant has not been reported in the literature in individuals with APC-related conditions. Algorithms developed to predict the effect of missense changes on protein structure and function are either unavailable or do not agree on the potential impact of this missense change (SIFT: "Deleterious"; PolyPhen-2: "Possibly Damaging"; Align-GVGD: "Class C0"). In summary, the available evidence is currently insufficient to determine the role of this variant in disease. Therefore, it has been classified as a Variant of Uncertain Significance.

NM_000038.6(APC):c.7292G>C (p.Arg2431Thr)

Gene: APC (APC regulator of Wnt signaling pathway; plus strand). Cytogenetic location: 5q22.2.
Variant type: single nucleotide variant.
Coding change: c.7292G>C on transcript NM_000038.6 (MANE Select); coding-DNA position 7292, G replaced by C.
Protein change: p.Arg2431Thr; replaces arginine 2431 with threonine.
Molecular consequence: missense variant.
Genome position (GRCh38, 1-based): chr5:112,842,886, G>C. VCF-style: chr5-112842886-G-C. GRCh37 (hg19) VCF-style: chr5-112178583-G-C.
Other names: c.7292G>C, p.Arg2431Thr (NM_001127510.3, NM_001354895.2); c.7238G>C, p.Arg2413Thr (NM_001127511.3); c.7346G>C, p.Arg2449Thr (NM_001354896.2); c.7322G>C, p.Arg2441Thr (NM_001354897.2); c.7217G>C, p.Arg2406Thr (NM_001354898.2); c.7208G>C, p.Arg2403Thr (NM_001354899.2); c.7169G>C, p.Arg2390Thr (NM_001354900.2); c.7115G>C, p.Arg2372Thr (NM_001354901.2); and 5 more; short protein forms R2271T, R2305T, R2406T, R2340T, R2372T, R2413T, R2431T, R2449T.
Identifiers: ClinVar variation 838115 (VCV000838115.11), dbSNP rs879254262, ClinGen allele CA16037211.
Genomic context (GRCh38, chr5:112,842,886, plus strand): 5'-ATAAAAAGGTAGAACTTTCTAGAATGTCTTCAACTAAATCAAGTGGAAGTGAATCTGATA[G>C]ATCAGAAAGACCTGTATTAGTACGCCAGTCAACTTTCATCAAAGAAGCTCCAAGCCCAAC-3'
Protein context (NP_000029.2, residues 2421-2441): STKSSGSESD[Arg2431Thr]SERPVLVRQS